The following is an entry in ClinVar:

NM_014000.3(VCL):c.2809G>C (p.Ala937Pro)

Gene: VCL (vinculin; plus strand). Cytogenetic location: 10q22.2.
Variant type: single nucleotide variant.
Coding change: c.2809G>C on transcript NM_014000.3 (MANE Select); coding-DNA position 2809, G replaced by C.
Protein change: p.Ala937Pro; replaces alanine 937 with proline.
Molecular consequence: missense variant. On other transcripts: intron variant (1).
Genome position (GRCh38, 1-based): chr10:74,111,972, G>C. VCF-style: chr10-74111972-G-C. GRCh37 (hg19) VCF-style: chr10-75871730-G-C.
Other names: c.2746-2212G>C (NM_003373.4); short protein forms A937P.
Identifiers: ClinVar variation 3895335 (VCV003895335.3), dbSNP rs1314540118.

ClinVar aggregate classification (germline): Conflicting classifications of pathogenicity. Review status: criteria provided, conflicting classifications (1 of 4 stars). 3 submissions from 3 submitters: Uncertain significance (1); Likely benign (2). Last evaluated 2025-09-21.

Conditions:
Cardiovascular phenotype. Identifiers: MedGen CN230736.

Submissions (3):

Ambry Genetics
Classification: Uncertain significance for Cardiovascular phenotype. Last evaluated: 2025-09-21. Review status: criteria provided, single submitter. Criteria: Ambry Variant Classification Scheme 2023. Collection method: clinical testing. Allele origin: germline.
Comment: The p.A937P variant (also known as c.2809G>C), located in coding exon 19 of the VCL gene, results from a G to C substitution at nucleotide position 2809. The alanine at codon 937 is replaced by proline, an amino acid with highly similar properties. This amino acid position is conserved. In addition, this alteration is predicted to be tolerated by in silico analysis. Based on the available evidence, the clinical significance of this variant remains unclear.

Molecular Diagnostic Laboratory for Inherited Cardiovascular Disease, Montreal Heart Institute
Classification: Likely benign. Last evaluated: 2025-04-09. Review status: criteria provided, single submitter. Criteria: ACMG Guidelines, 2015. Collection method: clinical testing. Allele origin: germline. Affected: no.
Comment: PM2, BP4

Blueprint Genetics
Classification: Likely benign. Last evaluated: 2023-08-17. Review status: criteria provided, single submitter. Criteria: ACMG Guidelines, 2015. Collection method: clinical testing. Allele origin: germline.